The following is an entry in ClinVar:

NM_000179.3(MSH6):c.4000C>A (p.Arg1334=)

Gene: MSH6 (mutS homolog 6; plus strand). Cytogenetic location: 2p16.3.
Variant type: single nucleotide variant.
Coding change: c.4000C>A on transcript NM_000179.3 (MANE Select); coding-DNA position 4000, C replaced by A.
Protein change: p.Arg1334=; no amino-acid change (arginine 1334 retained).
Molecular consequence: synonymous variant.
Genome position (GRCh38, 1-based): chr2:47,806,650, C>A. VCF-style: chr2-47806650-C-A. GRCh37 (hg19) VCF-style: chr2-48033789-C-A.
Other names: c.3610C>A, p.Arg1204= (NM_001281492.2); c.3094C>A, p.Arg1032= (NM_001281493.2, NM_001281494.2).
Identifiers: ClinVar variation 1362148 (VCV001362148.6), dbSNP rs773763465, ClinGen allele CA426122234.

ClinVar aggregate classification (germline): Uncertain significance (1 of 4 stars; one submission).

Conditions:
Hereditary nonpolyposis colorectal neoplasms. Identifiers: MedGen C0009405, MeSH D003123.

Submission:

Labcorp Genetics (formerly Invitae), Labcorp
Classification: Uncertain significance for Hereditary nonpolyposis colorectal neoplasms. Last evaluated: 2022-03-04. Review status: criteria provided, single submitter. Criteria: Invitae Variant Classification Sherloc (09022015). Collection method: clinical testing. Allele origin: germline.
Comment: In summary, the available evidence is currently insufficient to determine the role of this variant in disease. Therefore, it has been classified as a Variant of Uncertain Significance. Algorithms developed to predict the effect of sequence changes on RNA splicing suggest that this variant is not likely to affect RNA splicing. This variant has not been reported in the literature in individuals affected with MSH6-related conditions. This variant is not present in population databases (gnomAD no frequency). This sequence change affects codon 1334 of the MSH6 mRNA. It is a 'silent' change, meaning that it does not change the encoded amino acid sequence of the MSH6 protein. It affects a nucleotide within the consensus splice site.